The following is an entry in ClinVar:

NM_001042492.3(NF1):c.2509T>G (p.Trp837Gly)

Gene: NF1 (neurofibromin 1; plus strand). Cytogenetic location: 17q11.2.
Variant type: single nucleotide variant.
Coding change: c.2509T>G on transcript NM_001042492.3 (MANE Select); coding-DNA position 2509, T replaced by G.
Protein change: p.Trp837Gly; replaces tryptophan 837 with glycine.
Molecular consequence: missense variant.
Genome position (GRCh38, 1-based): chr17:31,229,124, T>G. VCF-style: chr17-31229124-T-G. GRCh37 (hg19) VCF-style: chr17-29556142-T-G.
Other names: c.2509T>G, p.Trp837Gly (NM_000267.4); short protein forms W837G.
Identifiers: ClinVar variation 1364844 (VCV001364844.7), dbSNP rs587781747, ClinGen allele CA398984129.

ClinVar aggregate classification (germline): Pathogenic/Likely pathogenic. Review status: criteria provided, multiple submitters, no conflicts (2 of 4 stars). 2 submissions from 2 submitters: Pathogenic (1); Likely pathogenic (1). Last evaluated 2024-03-14.

Conditions:
Neurofibromatosis, type 1 (NF1). Also called: Peripheral type neurofibromatosis; Neurofibromatosis, type I; NEUROFIBROMATOSIS, TYPE I, SOMATIC; VON RECKLINGHAUSEN DISEASE. Identifiers: Orphanet 636, MedGen C0027831, MONDO:0018975, OMIM 162200. Disease mechanism: loss of function.

Submissions (2):

GeneDx
Classification: Likely pathogenic. Last evaluated: 2024-03-14. Review status: criteria provided, single submitter. Criteria: GeneDx Variant Classification Process June 2021. Collection method: clinical testing. Allele origin: germline. Affected: yes.
Comment: Not observed at significant frequency in large population cohorts (gnomAD); In silico analysis supports that this missense variant has a deleterious effect on protein structure/function; This variant is associated with the following publications: (PMID: 25486365, 23913538, 31776437, 29290338)

Labcorp Genetics (formerly Invitae), Labcorp
Classification: Pathogenic for Neurofibromatosis, type 1. Last evaluated: 2022-05-03. Review status: criteria provided, single submitter. Criteria: Invitae Variant Classification Sherloc (09022015). Collection method: clinical testing. Allele origin: germline.
Comment: This variant disrupts the p.Trp837 amino acid residue in NF1. Other variant(s) that disrupt this residue have been determined to be pathogenic (PMID: 30530636). This suggests that this residue is clinically significant, and that variants that disrupt this residue are likely to be disease-causing. Advanced modeling of protein sequence and biophysical properties (such as structural, functional, and spatial information, amino acid conservation, physicochemical variation, residue mobility, and thermodynamic stability) performed at Invitae indicates that this missense variant is expected to disrupt NF1 protein function. This missense change has been observed in individual(s) with neurofibromatosis type 1 (PMID: 23913538, 31776437). This variant is not present in population databases (gnomAD no frequency). This sequence change replaces tryptophan, which is neutral and slightly polar, with glycine, which is neutral and non-polar, at codon 837 of the NF1 protein (p.Trp837Gly). For these reasons, this variant has been classified as Pathogenic.

Literature cited by the submitters: PubMed 30530636 (cited by Labcorp Genetics (formerly Invitae), Labcorp); PubMed 23913538 (cited by Labcorp Genetics (formerly Invitae), Labcorp); PubMed 31776437 (cited by Labcorp Genetics (formerly Invitae), Labcorp).